The following is an entry in ClinVar:

ClinVar aggregate classification (germline): Likely benign (1 of 4 stars; one submission).

gnomAD v4.1: 23 of 1,613,250 alleles (0.0014%); highest among the groups gnomAD compares: East Asian, 0.013%; no homozygotes.

Submission:

CeGaT Center for Human Genetics Tuebingen
Classification: Likely benign. Last evaluated: 2025-10-01. Review status: criteria provided, single submitter. Criteria: CeGaT Center For Human Genetics Tuebingen Variant Classification Criteria Version 2. Collection method: clinical testing. Allele origin: germline. Affected: yes. Observed: 1 variant allele.
Comment: DOCK3: BP4, BP7

NM_004947.5(DOCK3):c.3840C>T (p.His1280=)

Gene: DOCK3 (dedicator of cytokinesis 3; plus strand). Cytogenetic location: 3p21.2.
Variant type: single nucleotide variant.
Coding change: c.3840C>T on transcript NM_004947.5 (MANE Select); coding-DNA position 3840, C replaced by T.
Protein change: p.His1280=; no amino-acid change (histidine 1280 retained).
Molecular consequence: synonymous variant.
Genome position (GRCh38, 1-based): chr3:51,341,310, C>T. VCF-style: chr3-51341310-C-T. GRCh37 (hg19) VCF-style: chr3-51378741-C-T.
Identifiers: ClinVar variation 4534502 (VCV004534502.6).